The following is an entry in ClinVar:

ClinVar aggregate classification (germline): Uncertain significance (1 of 4 stars; one submission).

Conditions:
Inborn genetic diseases. Identifiers: MedGen C0950123, MeSH D030342.

gnomAD v4.1: 1 of 1,613,428 alleles (0.000062%); no homozygotes.

Submission:

Ambry Genetics
Classification: Uncertain significance for Inborn genetic diseases. Last evaluated: 2023-02-23. Review status: criteria provided, single submitter. Criteria: Ambry Variant Classification Scheme 2023. Collection method: clinical testing. Allele origin: germline.
Comment: The p.M491T variant (also known as c.1472T>C), located in coding exon 13 of the LRRK2 gene, results from a T to C substitution at nucleotide position 1472. The methionine at codon 491 is replaced by threonine, an amino acid with similar properties. This amino acid position is conserved. In addition, the in silico prediction for this alteration is inconclusive. Since supporting evidence is limited at this time, the clinical significance of this alteration remains unclear.

NM_198578.4(LRRK2):c.1472T>C (p.Met491Thr)

Gene: LRRK2 (leucine rich repeat kinase 2; plus strand). Cytogenetic location: 12q12.
Variant type: single nucleotide variant.
Coding change: c.1472T>C on transcript NM_198578.4 (MANE Select); coding-DNA position 1472, T replaced by C.
Protein change: p.Met491Thr; replaces methionine 491 with threonine.
Molecular consequence: missense variant.
Genome position (GRCh38, 1-based): chr12:40,259,533, T>C. VCF-style: chr12-40259533-T-C. GRCh37 (hg19) VCF-style: chr12-40653335-T-C.
Other names: short protein forms M491T.
Identifiers: ClinVar variation 2453121 (VCV002453121.2), dbSNP rs2499550399, ClinGen allele CA384411451.